The following is an entry in ClinVar:

ClinVar aggregate classification (germline): Uncertain significance (1 of 4 stars; one submission).

Allele frequency attached by ClinVar (database versions not stated): gnomAD exomes 0.00003; ExAC 0.00004.

Submission:

Labcorp Genetics (formerly Invitae), Labcorp
Classification: Uncertain significance. Last evaluated: 2023-08-10. Review status: criteria provided, single submitter. Criteria: Invitae Variant Classification Sherloc (09022015). Collection method: clinical testing. Allele origin: germline.
Comment: In summary, the available evidence is currently insufficient to determine the role of this variant in disease. Therefore, it has been classified as a Variant of Uncertain Significance. Advanced modeling of protein sequence and biophysical properties (such as structural, functional, and spatial information, amino acid conservation, physicochemical variation, residue mobility, and thermodynamic stability) has been performed at Invitae for this missense variant, however the output from this modeling did not meet the statistical confidence thresholds required to predict the impact of this variant on MTFMT protein function. ClinVar contains an entry for this variant (Variation ID: 1414074). This variant has not been reported in the literature in individuals affected with MTFMT-related conditions. The frequency data for this variant in the population databases is considered unreliable, as metrics indicate poor data quality at this position in the gnomAD database. This sequence change replaces serine, which is neutral and polar, with leucine, which is neutral and non-polar, at codon 218 of the MTFMT protein (p.Ser218Leu).

NM_139242.4(MTFMT):c.653C>T (p.Ser218Leu)

Gene: MTFMT (mitochondrial methionyl-tRNA formyltransferase; minus strand). Cytogenetic location: 15q22.31.
Variant type: single nucleotide variant.
Coding change: c.653C>T on transcript NM_139242.4 (MANE Select); coding-DNA position 653, C replaced by T.
Protein change: p.Ser218Leu; replaces serine 218 with leucine.
Molecular consequence: missense variant.
Genome position (GRCh38, 1-based): chr15:65,020,265, G>A on the plus strand (C>T on the coding strand, the complement: MTFMT is on the minus strand). VCF-style: chr15-65020265-G-A. GRCh37 (hg19) VCF-style: chr15-65312603-G-A.
Other names: short protein forms S218L.
Identifiers: ClinVar variation 1414074 (VCV001414074.5), dbSNP rs762640243, ClinGen allele CA7613284.